The following is an entry in ClinVar:

ClinVar aggregate classification (germline): Uncertain significance (1 of 4 stars; one submission).

Conditions:
Catecholaminergic polymorphic ventricular tachycardia 1. Also called: VENTRICULAR TACHYCARDIA, CATECHOLAMINERGIC POLYMORPHIC, 1, WITH OR WITHOUT ATRIAL DYSFUNCTION AND/OR DILATED CARDIOMYOPATHY; RYR2-Related Catecholaminergic Polymorphic Ventricular Tachycardia; VENTRICULAR TACHYCARDIA, STRESS-INDUCED POLYMORPHIC 1. Identifiers: Orphanet 3286, MedGen C1631597, MONDO:0011484, OMIM 604772.

Submission:

Labcorp Genetics (formerly Invitae), Labcorp
Classification: Uncertain significance for Catecholaminergic polymorphic ventricular tachycardia 1. Last evaluated: 2019-12-06. Review status: criteria provided, single submitter. Criteria: Invitae Variant Classification Sherloc (09022015). Collection method: clinical testing. Allele origin: germline.
Comment: In summary, the available evidence is currently insufficient to determine the role of this variant in disease. Therefore, it has been classified as a Variant of Uncertain Significance. The current clinical and genetic evidence is not sufficient to establish whether loss-of-function variants in RYR2 cause disease. Algorithms developed to predict the effect of sequence changes on RNA splicing suggest that this variant may disrupt the consensus splice site, but this prediction has not been confirmed by published transcriptional studies. This variant has not been reported in the literature in individuals with RYR2-related conditions. This variant is not present in population databases (ExAC no frequency). This sequence change affects a donor splice site in intron 12 of the RYR2 gene. It is expected to disrupt RNA splicing and likely results in an absent or disrupted protein product.

NM_001035.3(RYR2):c.1005+1G>A

Gene: RYR2 (ryanodine receptor 2; plus strand). Cytogenetic location: 1q43.
Variant type: single nucleotide variant.
Coding change: c.1005+1G>A on transcript NM_001035.3 (MANE Select); the canonical splice donor site of the intron after coding-DNA position 1005, G replaced by A.
Molecular consequence: splice donor variant.
Genome position (GRCh38, 1-based): chr1:237,423,249, G>A. VCF-style: chr1-237423249-G-A. GRCh37 (hg19) VCF-style: chr1-237586549-G-A.
Identifiers: ClinVar variation 834108 (VCV000834108.7), dbSNP rs1705774837, ClinGen allele CA345385646.